The following is an entry in ClinVar:

NM_006186.4(NR4A2):c.1098T>G (p.Ser366Arg)

Gene: NR4A2 (nuclear receptor subfamily 4 group A member 2; minus strand). Cytogenetic location: 2q24.1.
Variant type: single nucleotide variant.
Coding change: c.1098T>G on transcript NM_006186.4 (MANE Select); coding-DNA position 1098, T replaced by G.
Protein change: p.Ser366Arg; replaces serine 366 with arginine.
Molecular consequence: missense variant.
Genome position (GRCh38, 1-based): chr2:156,327,911, A>C on the plus strand (T>G on the coding strand, the complement: NR4A2 is on the minus strand). VCF-style: chr2-156327911-A-C. GRCh37 (hg19) VCF-style: chr2-157184423-A-C.
Other names: c.909T>G, p.Ser303Arg (NM_173173.3); short protein forms S303R, S366R.
Identifiers: ClinVar variation 3367407 (VCV003367407.2).

ClinVar aggregate classification (germline): Uncertain significance (1 of 4 stars; one submission).

Submission:

GeneDx
Classification: Uncertain significance. Last evaluated: 2025-10-03. Review status: criteria provided, single submitter. Criteria: GeneDx Variant Classification Process June 2021. Collection method: clinical testing. Allele origin: germline.
Comment: Not observed at significant frequency in large population cohorts (gnomAD); In silico analysis suggests that this missense variant does not alter protein structure/function; Has not been previously published as pathogenic or benign to our knowledge